The following is an entry in ClinVar:

ClinVar aggregate classification (germline): Likely benign. Review status: criteria provided, multiple submitters, no conflicts (2 of 4 stars). 2 submissions from 2 submitters: Likely benign (2). Last evaluated 2025-12-30.

Conditions:
OSTM1-related disorder. Also called: OSTM1-related condition.

Allele frequency attached by ClinVar (database versions not stated): ExAC 0.00001; gnomAD 0.00001; TOPMed 0.00001.
gnomAD v4.1: 30 of 1,613,718 alleles (0.0019%); highest among the groups gnomAD compares: South Asian, 0.021%; no homozygotes.

Submissions (2):

Labcorp Genetics (formerly Invitae), Labcorp
Classification: Likely benign. Last evaluated: 2025-12-30. Review status: criteria provided, single submitter. Criteria: Invitae Variant Classification Sherloc (09022015). Collection method: clinical testing. Allele origin: germline.

PreventionGenetics, part of Exact Sciences
Classification: Likely benign for OSTM1-related condition. Last evaluated: 2025-06-20. Review status: criteria provided, single submitter. Criteria: ACMG Guidelines, 2015. Collection method: clinical testing. Allele origin: germline.
Comment: This variant is classified as likely benign based on ACMG/AMP sequence variant interpretation guidelines (Richards et al. 2015 PMID: 25741868, with internal and published modifications).

NM_014028.4(OSTM1):c.804A>G (p.Leu268=)

Gene: OSTM1 (osteoclastogenesis associated transmembrane protein 1; minus strand). Cytogenetic location: 6q21.
Variant type: single nucleotide variant.
Coding change: c.804A>G on transcript NM_014028.4 (MANE Select); coding-DNA position 804, A replaced by G.
Protein change: p.Leu268=; no amino-acid change (leucine 268 retained).
Molecular consequence: synonymous variant.
Genome position (GRCh38, 1-based): chr6:108,049,398, T>C on the plus strand (A>G on the coding strand, the complement: OSTM1 is on the minus strand). VCF-style: chr6-108049398-T-C. GRCh37 (hg19) VCF-style: chr6-108370602-T-C.
Other names: c.804A>G (NM_014028.3).
Identifiers: ClinVar variation 1356571 (VCV001356571.9), dbSNP rs751814564, ClinGen allele CA3947955.